The following is an entry in ClinVar:

NM_001372.4(DNAH9):c.7654G>A (p.Val2552Met)

Gene: DNAH9 (dynein axonemal heavy chain 9; plus strand). Cytogenetic location: 17p12.
Variant type: single nucleotide variant.
Coding change: c.7654G>A on transcript NM_001372.4 (MANE Select); coding-DNA position 7654, G replaced by A.
Protein change: p.Val2552Met; replaces valine 2552 with methionine.
Molecular consequence: missense variant.
Genome position (GRCh38, 1-based): chr17:11,781,110, G>A. VCF-style: chr17-11781110-G-A. GRCh37 (hg19) VCF-style: chr17-11684427-G-A.
Other names: short protein forms V2552M.
Identifiers: ClinVar variation 3703065 (VCV003703065.1).
Genomic context (GRCh38, chr17:11,781,110, plus strand): 5'-TATGGCCCTCCAGGGAACAAGAAACTCATCTATTTCATTGATGACATGAACATGCCTGAG[G>A]TGGATGCCTACGGGACGGTGCAGCCCCACACCATCATCCGGCAGCATCTGGACTATGGCC-3'
Protein context (NP_001363.2, residues 2542-2562): YFIDDMNMPE[Val2552Met]DAYGTVQPHT

ClinVar aggregate classification (germline): Uncertain significance (1 of 4 stars; one submission).

gnomAD v4.1: 1 of 1,614,202 alleles (0.000062%); no homozygotes.

Submission:

Labcorp Genetics (formerly Invitae), Labcorp
Classification: Uncertain significance. Last evaluated: 2024-11-14. Review status: criteria provided, single submitter. Criteria: Invitae Variant Classification Sherloc (09022015). Collection method: clinical testing. Allele origin: germline.
Comment: This sequence change replaces valine, which is neutral and non-polar, with methionine, which is neutral and non-polar, at codon 2552 of the DNAH9 protein (p.Val2552Met). This variant is not present in population databases (gnomAD no frequency). This variant has not been reported in the literature in individuals affected with DNAH9-related conditions. Invitae Evidence Modeling of protein sequence and biophysical properties (such as structural, functional, and spatial information, amino acid conservation, physicochemical variation, residue mobility, and thermodynamic stability) indicates that this missense variant is not expected to disrupt DNAH9 protein function with a negative predictive value of 80%. In summary, the available evidence is currently insufficient to determine the role of this variant in disease. Therefore, it has been classified as a Variant of Uncertain Significance.